The following is an entry in ClinVar:

ClinVar aggregate classification (germline): Uncertain significance. Review status: criteria provided, multiple submitters, no conflicts (2 of 4 stars). 7 submissions from 7 submitters: Uncertain significance (5). 2 of the submissions do not count toward it. Last evaluated 2026-02-04.

Conditions:
PROS1-related disorder. Also called: PROS1-related condition.
Protein S deficiency disease. Also called: Protein S deficiency. Identifiers: MedGen C0242666, MeSH D018455, MONDO:0002304.
Thrombophilia due to protein S deficiency, autosomal recessive (THPH6). Identifiers: Orphanet 743, MedGen C3281092, MONDO:0013791, OMIM 614514. Disease mechanism: loss of function.
Thrombophilia due to protein S deficiency, autosomal dominant (THPH5). Identifiers: Orphanet 26349, Orphanet 743, MedGen C3278211, MONDO:0012868, OMIM 612336. Disease mechanism: loss of function.

Allele frequency attached by ClinVar (database versions not stated): ESP Exome Variant Server 0.00008; gnomAD 0.00011 and 0.00012; 1000 Genomes Project 30x 0.00016; 1000 Genomes Project 0.00020; gnomAD exomes 0.00022; ExAC 0.00029.
gnomAD v4.1: 291 of 1,613,628 alleles (0.018%); highest among the groups gnomAD compares: Admixed American, 0.023%; 1 homozygote.

Submissions (7):

Labcorp Genetics (formerly Invitae), Labcorp
Classification: Uncertain significance for Thrombophilia due to protein S deficiency, autosomal recessive. Last evaluated: 2026-02-04. Review status: criteria provided, single submitter. Criteria: Invitae Variant Classification Sherloc (09022015). Collection method: clinical testing. Allele origin: germline.
Comment: This sequence change replaces threonine, which is neutral and polar, with serine, which is neutral and polar, at codon 98 of the PROS1 protein (p.Thr98Ser). This variant is present in population databases (rs142805170, gnomAD 0.03%). This missense change has been observed in individual(s) with protein S deficiency and thrombosis (PMID: 10790208). This variant is also known as 439C>G (T57S). ClinVar contains an entry for this variant (Variation ID: 1684340). An algorithm developed to predict the effect of missense changes on protein structure and function outputs the following: PolyPhen-2: "Benign". The serine amino acid residue is found in multiple mammalian species, which suggests that this missense change does not adversely affect protein function. In summary, the available evidence is currently insufficient to determine the role of this variant in disease. Therefore, it has been classified as a Variant of Uncertain Significance.

Blueprint Genetics
Classification: Uncertain significance. Last evaluated: 2024-11-24. Review status: criteria provided, single submitter. Criteria: ACMG Guidelines, 2015. Collection method: clinical testing. Allele origin: germline.

Department of Pathology and Laboratory Medicine, Sinai Health System
Classification: Uncertain significance for Thrombophilia due to protein S deficiency, autosomal dominant; Thrombophilia due to protein S deficiency, autosomal recessive. Last evaluated: 2022-03-29. Review status: criteria provided, single submitter. Criteria: ACMG Guidelines, 2015. Collection method: research. Allele origin: germline.

Fulgent Genetics
Classification: Uncertain significance for Thrombophilia due to protein S deficiency, autosomal dominant; Thrombophilia due to protein S deficiency, autosomal recessive. Last evaluated: 2021-09-01. Review status: criteria provided, single submitter. Criteria: ACMG Guidelines, 2015. Collection method: clinical testing. Allele origin: unknown.

Breakthrough Genomics
Classification: Uncertain significance. Review status: criteria provided, single submitter. Criteria: ACMG Guidelines, 2015. Collection method: not provided. Allele origin: germline. Inheritance: Autosomal recessive inheritance. Affected: yes.

PreventionGenetics, part of Exact Sciences
Classification: Uncertain significance for PROS1-related condition. Last evaluated: 2024-06-07. Review status: no assertion criteria provided. Collection method: clinical testing. Allele origin: germline. Not counted in ClinVar's aggregate classification.
Comment: The PROS1 c.293C>G variant is predicted to result in the amino acid substitution p.Thr98Ser. This variant, also known as p.Thr57Ser using legacy nomenclature, was reported in an individual with type I protein S deficiency. However, an affected relative did not have this variant and functional analysis of protein secretion levels were comparable to that of wildtype (Espinosa-Parrilla et al. 2000. PubMed ID: 10790208). This variant is reported in 0.037% of alleles in individuals of European (Non-Finnish) descent in gnomAD. At this time, the clinical significance of this variant is uncertain due to the absence of conclusive functional and genetic evidence.

ISTH-SSC Genomics in Thrombosis and Hemostasis, KU Leuven, Center for Molecular and Vascular Biology
Classification: Uncertain significance for Protein S deficiency disease. Review status: no assertion criteria provided. Collection method: clinical testing. Allele origin: unknown. Affected: yes. Not counted in ClinVar's aggregate classification.
Comment: Submitted to GoldVariant by Prof Kathleen Freson from Center for Molecular and Vascular Biology, Leuven, Belgium

Literature cited by the submitters: PubMed 10790208 (cited by Labcorp Genetics (formerly Invitae), Labcorp).

NM_000313.4(PROS1):c.293C>G (p.Thr98Ser)

Gene: PROS1 (protein S; minus strand). Cytogenetic location: 3q11.1.
Variant type: single nucleotide variant.
Coding change: c.293C>G on transcript NM_000313.4 (MANE Select); coding-DNA position 293, C replaced by G.
Protein change: p.Thr98Ser; replaces threonine 98 with serine.
Molecular consequence: missense variant.
Genome position (GRCh38, 1-based): chr3:93,910,672, G>C on the plus strand (C>G on the coding strand, the complement: PROS1 is on the minus strand). VCF-style: chr3-93910672-G-C. GRCh37 (hg19) VCF-style: chr3-93629516-G-C.
Other names: c.389C>G, p.Thr130Ser (NM_001314077.2); short protein forms T130S, T98S.
Identifiers: ClinVar variation 1684340 (VCV001684340.10), dbSNP rs142805170, ClinGen allele CA2503523.